The following is an entry in ClinVar:

NM_001035.3(RYR2):c.12397C>T (p.Leu4133=)

Gene: RYR2 (ryanodine receptor 2; plus strand). Cytogenetic location: 1q43.
Variant type: single nucleotide variant.
Coding change: c.12397C>T on transcript NM_001035.3 (MANE Select); coding-DNA position 12397, C replaced by T.
Protein change: p.Leu4133=; no amino-acid change (leucine 4133 retained).
Molecular consequence: synonymous variant.
Genome position (GRCh38, 1-based): chr1:237,784,109, C>T. VCF-style: chr1-237784109-C-T. GRCh37 (hg19) VCF-style: chr1-237947409-C-T.
Other names: c.12397C>T, p.Leu4133= (LRG_402t1).
Identifiers: ClinVar variation 532395 (VCV000532395.15), dbSNP rs1553322794, ClinGen allele CA424032125.

ClinVar aggregate classification (germline): Likely benign. Review status: criteria provided, multiple submitters, no conflicts (2 of 4 stars). 4 submissions from 4 submitters: Likely benign (4). Last evaluated 2025-11-10.

Conditions:
Cardiomyopathy (CMYO). Also called: Cardiomyopathies. Identifiers: Orphanet 167848, MedGen C0878544, MONDO:0004994, HP:0001638. Inheritance: Various modes of inheritance.
Catecholaminergic polymorphic ventricular tachycardia 1. Also called: VENTRICULAR TACHYCARDIA, CATECHOLAMINERGIC POLYMORPHIC, 1, WITH OR WITHOUT ATRIAL DYSFUNCTION AND/OR DILATED CARDIOMYOPATHY; RYR2-Related Catecholaminergic Polymorphic Ventricular Tachycardia; VENTRICULAR TACHYCARDIA, STRESS-INDUCED POLYMORPHIC 1. Identifiers: Orphanet 3286, MedGen C1631597, MONDO:0011484, OMIM 604772.
Cardiovascular phenotype. Identifiers: MedGen CN230736.
Catecholaminergic polymorphic ventricular tachycardia (CVPT). Also called: Catecholamine-induced polymorphic ventricular tachycardia. Identifiers: Orphanet 3286, MedGen C5574922, MONDO:0017990.

Allele frequency attached by ClinVar (database versions not stated): TOPMed below 0.00001; gnomAD 0.00001.
gnomAD v4.1: 7 of 1,613,870 alleles (0.00043%); highest among the groups gnomAD compares: African/African-American, 0.0013%; no homozygotes.

Submissions (4):

Labcorp Genetics (formerly Invitae), Labcorp
Classification: Likely benign for Catecholaminergic polymorphic ventricular tachycardia 1. Last evaluated: 2025-11-10. Review status: criteria provided, single submitter. Criteria: Invitae Variant Classification Sherloc (09022015). Collection method: clinical testing. Allele origin: germline.

All of Us Research Program, National Institutes of Health
Classification: Likely benign for Catecholaminergic polymorphic ventricular tachycardia. Last evaluated: 2023-10-30. Review status: criteria provided, single submitter. Criteria: ACMG Guidelines, 2015. Collection method: clinical testing. Allele origin: germline. Inheritance: Autosomal dominant inheritance. Observed: 3 variant alleles, 3 heterozygotes.
Comment: This study involves interpretation of variants in research participants for the purpose of population health screening. Participant phenotype was not available at the time of variant classification. Additional details can be found in publication PMID: 35346344, PMCID: PMC8962531

Ambry Genetics
Classification: Likely benign for Cardiovascular phenotype. Last evaluated: 2022-01-25. Review status: criteria provided, single submitter. Criteria: Ambry Variant Classification Scheme 2023. Collection method: clinical testing. Allele origin: germline.

Color Diagnostics, LLC DBA Color Health
Classification: Likely benign for Cardiomyopathy. Last evaluated: 2019-06-13. Review status: criteria provided, single submitter. Criteria: ACMG Guidelines, 2015. Collection method: clinical testing. Allele origin: germline.